The following is an entry in ClinVar:

NM_014444.5(TUBGCP4):c.778C>T (p.Arg260Ter)

Gene: TUBGCP4 (tubulin gamma complex component 4; plus strand). Cytogenetic location: 15q15.3.
Variant type: single nucleotide variant.
Coding change: c.778C>T on transcript NM_014444.5 (MANE Select); coding-DNA position 778, C replaced by T.
Protein change: p.Arg260Ter; replaces arginine 260 with a stop codon.
Molecular consequence: nonsense.
Genome position (GRCh38, 1-based): chr15:43,385,845, C>T. VCF-style: chr15-43385845-C-T. GRCh37 (hg19) VCF-style: chr15-43678043-C-T.
Other names: c.778C>T, p.Arg260Ter (NM_001286414.3); short protein forms R260*.
Identifiers: ClinVar variation 982788 (VCV000982788.7), dbSNP rs755174583, ClinGen allele CA7523881.

ClinVar aggregate classification (germline): Pathogenic/Likely pathogenic. Review status: criteria provided, multiple submitters, no conflicts (2 of 4 stars). 3 submissions from 3 submitters: Pathogenic (1); Likely pathogenic (2). Last evaluated 2024-10-25.

Conditions:
Microcephaly and chorioretinopathy 3. Also called: Microcephaly and chorioretinopathy, autosomal recessive, 3. Identifiers: MedGen C4225362, MONDO:0014592, OMIM 616335.

Allele frequency attached by ClinVar (database versions not stated): gnomAD exomes below 0.00001 and 0.00001; ExAC 0.00001.
gnomAD v4.1: 11 of 1,614,112 alleles (0.00068%); highest among the groups gnomAD compares: South Asian, 0.0011%; no homozygotes.

Submissions (3):

Labcorp Genetics (formerly Invitae), Labcorp
Classification: Pathogenic. Last evaluated: 2024-10-25. Review status: criteria provided, single submitter. Criteria: Invitae Variant Classification Sherloc (09022015). Collection method: clinical testing. Allele origin: germline.
Comment: This sequence change creates a premature translational stop signal (p.Arg260*) in the TUBGCP4 gene. It is expected to result in an absent or disrupted protein product. Loss-of-function variants in TUBGCP4 are known to be pathogenic (PMID: 25817018). This variant is present in population databases (rs755174583, gnomAD 0.006%). This variant has not been reported in the literature in individuals affected with TUBGCP4-related conditions. ClinVar contains an entry for this variant (Variation ID: 982788). Algorithms developed to predict the effect of sequence changes on RNA splicing suggest that this variant may disrupt the consensus splice site. For these reasons, this variant has been classified as Pathogenic.

Institute of Human Genetics, University of Leipzig Medical Center
Classification: Likely pathogenic for Microcephaly and chorioretinopathy 3. Last evaluated: 2019-01-01. Review status: criteria provided, single submitter. Criteria: ACMG Guidelines, 2015. Collection method: clinical testing. Allele origin: unknown. Affected: yes.
Comment: This variant was identified as compound heterozygous.

Juno Genomics, Hangzhou Juno Genomics, Inc
Classification: Likely pathogenic for Microcephaly and chorioretinopathy 3. Review status: criteria provided, single submitter. Criteria: ACMG Guidelines, 2015. Collection method: clinical testing. Allele origin: germline.
Comment: Absent from controls (or at extremely low frequency if recessive) in Genome Aggregation Database.;Null variant in a gene where loss of function (LOF) is a known mechanism of disease.

Literature cited by the submitters: PubMed 25817018 (cited by Labcorp Genetics (formerly Invitae), Labcorp).